The following is an entry in ClinVar:

NM_145868.2(ANXA11):c.746A>T (p.Asp249Val)

Gene: ANXA11 (annexin A11; minus strand). Cytogenetic location: 10q22.3.
Variant type: single nucleotide variant.
Coding change: c.746A>T on transcript NM_145868.2 (MANE Select); coding-DNA position 746, A replaced by T.
Protein change: p.Asp249Val; replaces aspartic acid 249 with valine.
Molecular consequence: missense variant.
Genome position (GRCh38, 1-based): chr10:80,166,196, T>A on the plus strand (A>T on the coding strand, the complement: ANXA11 is on the minus strand). VCF-style: chr10-80166196-T-A. GRCh37 (hg19) VCF-style: chr10-81925952-T-A.
Other names: c.746A>T, p.Asp249Val (NM_001157.3, NM_001278407.2, NM_001278408.2 and 1 more transcripts); c.647A>T, p.Asp216Val (NM_001278409.2); short protein forms D216V, D249V.
Identifiers: ClinVar variation 4749400 (VCV004749400.1).

ClinVar aggregate classification (germline): Uncertain significance (1 of 4 stars; one submission).

gnomAD v4.1: 1 of 1,569,536 alleles (0.000064%); highest among the groups gnomAD compares: Non-Finnish European, 0.000087%; no homozygotes.

Submission:

Labcorp Genetics (formerly Invitae), Labcorp
Classification: Uncertain significance. Last evaluated: 2025-08-28. Review status: criteria provided, single submitter. Criteria: Invitae Variant Classification Sherloc (09022015). Collection method: clinical testing. Allele origin: germline.
Comment: This sequence change replaces aspartic acid, which is acidic and polar, with valine, which is neutral and non-polar, at codon 249 of the ANXA11 protein (p.Asp249Val). This variant is not present in population databases (gnomAD no frequency). This variant has not been reported in the literature in individuals affected with ANXA11-related conditions. An algorithm developed to predict the effect of missense changes on protein structure and function (PolyPhen-2) suggests that this variant is likely to be disruptive. In summary, the available evidence is currently insufficient to determine the role of this variant in disease. Therefore, it has been classified as a Variant of Uncertain Significance.